The following is an entry in ClinVar:

NM_170606.3(KMT2C):c.8697A>G (p.Gln2899=)

Gene: KMT2C (lysine methyltransferase 2C; minus strand). Cytogenetic location: 7q36.1.
Variant type: single nucleotide variant.
Coding change: c.8697A>G on transcript NM_170606.3 (MANE Select); coding-DNA position 8697, A replaced by G.
Protein change: p.Gln2899=; no amino-acid change (glutamine 2899 retained).
Molecular consequence: synonymous variant.
Genome position (GRCh38, 1-based): chr7:152,176,756, T>C on the plus strand (A>G on the coding strand, the complement: KMT2C is on the minus strand). VCF-style: chr7-152176756-T-C. GRCh37 (hg19) VCF-style: chr7-151873841-T-C.
Identifiers: ClinVar variation 2673133 (VCV002673133.23), dbSNP rs144981682, ClinGen allele CA4579635.

ClinVar aggregate classification (germline): Likely benign (1 of 4 stars; one submission).

Allele frequency attached by ClinVar (database versions not stated): TOPMed below 0.00001; gnomAD 0.00001; gnomAD exomes 0.00001; ExAC 0.00002; 1000 Genomes Project 30x 0.00016; 1000 Genomes Project 0.00020.
gnomAD v4.1: 19 of 1,614,220 alleles (0.0012%); highest among the groups gnomAD compares: East Asian, 0.036%; no homozygotes.

Submission:

CeGaT Center for Human Genetics Tuebingen
Classification: Likely benign. Last evaluated: 2023-11-01. Review status: criteria provided, single submitter. Criteria: CeGaT Center For Human Genetics Tuebingen Variant Classification Criteria Version 2. Collection method: clinical testing. Allele origin: germline. Affected: yes. Observed: 1 variant allele.
Comment: KMT2C: BP4, BP7